The following is an entry in ClinVar:

ClinVar aggregate classification (germline): Likely benign (0 of 4 stars; one submission).

Conditions:
KMT2D-related disorder. Also called: KMT2D-Related Disorders.

Submission:

PreventionGenetics, part of Exact Sciences
Classification: Likely benign for KMT2D-related condition. Last evaluated: 2022-10-19. Review status: no assertion criteria provided. Collection method: clinical testing. Allele origin: germline.
Comment: This variant is classified as likely benign based on ACMG/AMP sequence variant interpretation guidelines (Richards et al. 2015 PMID: 25741868, with internal and published modifications).

NM_003482.4(KMT2D):c.16509C>T (p.Pro5503=)

Gene: KMT2D (lysine methyltransferase 2D; minus strand). Cytogenetic location: 12q13.12.
Variant type: single nucleotide variant.
Coding change: c.16509C>T on transcript NM_003482.4 (MANE Select); coding-DNA position 16509, C replaced by T.
Protein change: p.Pro5503=; no amino-acid change (proline 5503 retained).
Molecular consequence: synonymous variant.
Genome position (GRCh38, 1-based): chr12:49,022,055, G>A on the plus strand (C>T on the coding strand, the complement: KMT2D is on the minus strand). VCF-style: chr12-49022055-G-A. GRCh37 (hg19) VCF-style: chr12-49415838-G-A.
Identifiers: ClinVar variation 3051113 (VCV003051113.2), dbSNP rs2137703518, ClinGen allele CA479520838.